The following is an entry in ClinVar:

ClinVar aggregate classification (germline): Pathogenic/Likely pathogenic. Review status: criteria provided, multiple submitters, no conflicts (2 of 4 stars). 3 submissions from 3 submitters: Pathogenic (1); Likely pathogenic (2). Last evaluated 2024-12-18.

Conditions:
Tyrosinemia type I (TYRSN1). Also called: HEPATORENAL TYROSINEMIA; Tyrosinemia type 1; Fumarylacetoacetase deficiency; Deficiency of fumarylacetoacetase; FAH DEFICIENCY. Identifiers: Orphanet 882, MedGen C0268490, MONDO:0010161, OMIM 276700. Disease mechanism: loss of function.

Allele frequency attached by ClinVar (database versions not stated): gnomAD exomes below 0.00001.
gnomAD v4.1: 4 of 1,610,172 alleles (0.00025%); highest among the groups gnomAD compares: Non-Finnish European, 0.00034%; no homozygotes.

Submissions (3):

Genomic Medicine Center of Excellence, King Faisal Specialist Hospital and Research Centre
Classification: Pathogenic for Tyrosinemia type I. Last evaluated: 2024-12-18. Review status: criteria provided, single submitter. Criteria: ACMG Guidelines, 2015. Collection method: clinical testing. Allele origin: germline.

Fulgent Genetics
Classification: Likely pathogenic for Tyrosinemia type I. Last evaluated: 2024-05-03. Review status: criteria provided, single submitter. Criteria: ACMG Guidelines, 2015. Collection method: clinical testing. Allele origin: germline.

Women's Health and Genetics/Laboratory Corporation of America, LabCorp
Classification: Likely pathogenic for Tyrosinemia type I. Last evaluated: 2024-05-01. Review status: criteria provided, single submitter. Criteria: LabCorp Variant Classification Summary - May 2015. Collection method: clinical testing. Allele origin: germline.
Comment: Variant summary: FAH c.577T>C (p.Cys193Arg) results in a non-conservative amino acid change located in the Fumarylacetoacetase-like domain, C-terminal (IPR011234) of the encoded protein sequence. Five of five in-silico tools predict a damaging effect of the variant on protein function. The variant was absent in 250386 control chromosomes. c.577T>C has been reported in the literature in an individual affected with Tyrosinemia Type 1 (Ploos van Amstel_1996). At least two publications report experimental evidence evaluating an impact on protein function. The most pronounced variant effect results in <10% of normal activity (Bergeron_2001, Macias_2019). The following publications have been ascertained in the context of this evaluation (PMID: 11278491, 31300554, 8557261). No submitters have cited clinical-significance assessments for this variant to ClinVar. Based on the evidence outlined above, the variant was classified as likely pathogenic.

Literature cited by the submitters: PubMed 11278491 (cited by Women's Health and Genetics/Laboratory Corporation of America, LabCorp); PubMed 8557261 (cited by Women's Health and Genetics/Laboratory Corporation of America, LabCorp); PubMed 31300554 (cited by Women's Health and Genetics/Laboratory Corporation of America, LabCorp).

NM_000137.4(FAH):c.577T>C (p.Cys193Arg)

Gene: FAH (fumarylacetoacetate hydrolase; plus strand). Cytogenetic location: 15q25.1.
Variant type: single nucleotide variant.
Coding change: c.577T>C on transcript NM_000137.4 (MANE Select); coding-DNA position 577, T replaced by C.
Protein change: p.Cys193Arg; replaces cysteine 193 with arginine.
Molecular consequence: missense variant.
Genome position (GRCh38, 1-based): chr15:80,168,287, T>C. VCF-style: chr15-80168287-T-C. GRCh37 (hg19) VCF-style: chr15-80460629-T-C.
Other names: c.577T>C, p.Cys193Arg (NM_001374377.1, NM_001374380.1); short protein forms C193R.
Identifiers: ClinVar variation 3241519 (VCV003241519.5), dbSNP rs2505850621.